The following is an entry in ClinVar:

Single allele

Variant type: Deletion.
Identifiers: ClinVar variation 559471 (VCV000559471.3).

ClinVar aggregate classification (germline): Uncertain significance (1 of 4 stars; one submission).

Submission:

Geisinger Autism and Developmental Medicine Institute, Geisinger Health System
Classification: Uncertain significance. Last evaluated: 2018-04-03. Review status: criteria provided, single submitter. Criteria: ACMG CNV Guidelines, 2011. Collection method: provider interpretation. Allele origin: unknown.
Comment: This deletion includes four genes, two of which are associated with known conditions. Single nucleotide variants in CHMP2B have been associated with familial frontotemporal lobar degeneration and amyotrophic lateral sclerosis 17. Frontotemporal dementia due to variants in this gene are thought to result from a build-up of the abnormal protein. The impact of a whole gene deletion is unclear, however. Homozygous or compound heterozygous variants in POU1F1 have been associated with autosomal recessive combined pituitary hormone deficiency. Subsequent whole exome sequencing identified two VUSs in a gene associated with an autosomal recessive condition.